The following is an entry in ClinVar:

ClinVar aggregate classification (germline): Pathogenic/Likely pathogenic. Review status: criteria provided, multiple submitters, no conflicts (2 of 4 stars). 9 submissions from 9 submitters: Pathogenic (2); Likely pathogenic (6). 1 of the submissions does not count toward it. Last evaluated 2025-11-23.

Conditions:
Very long chain acyl-CoA dehydrogenase deficiency (ACADVLD). Also called: VLCAD Deficiency; Very Long-Chain Acyl-Coenzyme A Dehydrogenase Deficiency. Identifiers: Orphanet 26793, MedGen C3887523, MONDO:0008723, OMIM 201475.

Allele frequency attached by ClinVar (database versions not stated): gnomAD exomes 0.00001 and below 0.00001; ExAC 0.00002; TOPMed 0.00002; gnomAD 0.00003; 1000 Genomes Project 0.00020; 1000 Genomes Project 30x 0.00031.
gnomAD v4.1: 11 of 1,611,172 alleles (0.00068%); highest among the groups gnomAD compares: African/African-American, 0.0067%; no homozygotes.

Submissions (9):

Labcorp Genetics (formerly Invitae), Labcorp
Classification: Pathogenic for Very long chain acyl-CoA dehydrogenase deficiency. Last evaluated: 2025-11-23. Review status: criteria provided, single submitter. Criteria: Invitae Variant Classification Sherloc (09022015). Collection method: clinical testing. Allele origin: germline.
Comment: This sequence change replaces alanine, which is neutral and non-polar, with valine, which is neutral and non-polar, at codon 359 of the ACADVL protein (p.Ala359Val). This variant is present in population databases (rs539029862, gnomAD 0.003%). This missense change has been observed in individual(s) with VLCAD deficiency (PMID: 26385305, 27209629; internal data). In at least one individual the data is consistent with being in trans (on the opposite chromosome) from a pathogenic variant. ClinVar contains an entry for this variant (Variation ID: 541725). An algorithm developed to predict the effect of missense changes on protein structure and function (PolyPhen-2) suggests that this variant is likely to be tolerated. For these reasons, this variant has been classified as Pathogenic.

Fulgent Genetics
Classification: Likely pathogenic for Very long chain acyl-CoA dehydrogenase deficiency. Last evaluated: 2024-04-04. Review status: criteria provided, single submitter. Criteria: ACMG Guidelines, 2015. Collection method: clinical testing. Allele origin: germline.

Baylor Genetics
Classification: Likely pathogenic for Very long chain acyl-CoA dehydrogenase deficiency. Last evaluated: 2024-02-21. Review status: criteria provided, single submitter. Criteria: ACMG Guidelines, 2015. Collection method: clinical testing. Allele origin: unknown.

Laboratory of Medical Genetics, National & Kapodistrian University of Athens
Classification: Pathogenic for Very long chain acyl-CoA dehydrogenase deficiency. Last evaluated: 2024-02-01. Review status: criteria provided, single submitter. Criteria: ACMG Guidelines, 2015. Collection method: curation. Allele origin: germline. Affected: no.

Women's Health and Genetics/Laboratory Corporation of America, LabCorp
Classification: Likely pathogenic for Very long chain acyl-CoA dehydrogenase deficiency. Last evaluated: 2023-03-24. Review status: criteria provided, single submitter. Criteria: LabCorp Variant Classification Summary - May 2015. Collection method: clinical testing. Allele origin: germline.
Comment: Variant summary: ACADVL c.1076C>T (p.Ala359Val) results in a non-conservative amino acid change located in the C-terminal domain (IPR009075) of the encoded protein sequence. Four of five in-silico tools predict a damaging effect of the variant on protein function. The variant allele was found at a frequency of 1.2e-05 in 249948 control chromosomes (gnomAD). c.1076C>T has been reported in the literature in multiple individuals affected with Very Long Chain Acyl-CoA Dehydrogenase Deficiency (Miller_2015, Pena_2016). These data indicate that the variant is very likely to be associated with disease. To our knowledge, no experimental evidence demonstrating an impact on protein function has been reported. Five clinical diagnostic laboratories have submitted clinical-significance assessments for this variant to ClinVar after 2014, and classified the variant as VUS (n=1) or likely pathogenic (n=4). Based on the evidence outlined above, the variant was classified as likely pathogenic.

ARUP Laboratories, Molecular Genetics and Genomics, ARUP Laboratories
Classification: Likely pathogenic for Very long chain acyl-CoA dehydrogenase deficiency. Last evaluated: 2021-09-03. Review status: criteria provided, single submitter. Criteria: ARUP Molecular Germline Variant Investigation Process 2021. Collection method: clinical testing. Allele origin: germline.
Comment: The ACADVL c.1076C>T; p.Ala359Val variant (rs539029862) is reported in the literature in multiple individuals with abnormal newborn screening suggestive of VLCAD deficiency (Miller 2015, Pena 2016). This variant is also reported in ClinVar (Variation ID: 541725). This variant is found in the general population with an overall allele frequency of 0.001% (4/281,292 alleles) in the Genome Aggregation Database. The alanine at codon 359 is highly conserved, and computational analyses predict that this variant is deleterious (REVEL: 0.755). Based on available information, this variant is considered to be likely pathogenic. References: Miller MJ et al. Recurrent ACADVL molecular findings in individuals with a positive newborn screen for very long chain acyl-coA dehydrogenase (VLCAD) deficiency in the United States. Mol Genet Metab. 2015 Nov;116(3):139-45. PMID: 26385305. Pena LD et al. Outcomes and genotype-phenotype correlations in 52 individuals with VLCAD deficiency diagnosed by NBS and enrolled in the IBEM-IS database. Mol Genet Metab. 2016 Aug;118(4):272-81. PMID: 27209629.

GeneDx
Classification: Likely pathogenic. Last evaluated: 2021-06-03. Review status: criteria provided, single submitter. Criteria: GeneDx Variant Classification Process June 2021. Collection method: clinical testing. Allele origin: germline. Affected: yes.
Comment: Not observed at significant frequency in large population cohorts (Lek et al., 2016); In silico analysis supports that this missense variant has a deleterious effect on protein structure/function; This variant is associated with the following publications: (PMID: 26385305, 27535533, 29111448, 27209629)

CeGaT Center for Human Genetics Tuebingen
Classification: Likely pathogenic. Last evaluated: 2020-06-01. Review status: criteria provided, single submitter. Criteria: CeGaT Center For Human Genetics Tuebingen Variant Classification Criteria Version 2. Collection method: clinical testing. Allele origin: germline. Affected: yes. Observed: 1 variant allele.

Wong Mito Lab, Molecular and Human Genetics, Baylor College of Medicine
Classification: Uncertain significance for Very long chain acyl-CoA dehydrogenase deficiency. Last evaluated: 2019-11-01. Review status: flagged submission. Criteria: ACMG Guidelines, 2015. Collection method: clinical testing. Allele origin: germline. Not counted in ClinVar's aggregate classification.
Comment: The NM_000018.3:c.1076C>T (NP_000009.1:p.Ala359Val) [GRCH38: NC_000017.11:g.7222864C>T] variant in ACADVL gene is interpretated to be Uncertain Significance based on ACMG guidelines (PMID: 25741868). This variant has been reported. This variant meets the following evidence codes reported in the ACMG guidelines: PP3
ClinVar note: Reason: Outlier claim with insufficient supporting evidence

Literature cited by the submitters: PubMed 26385305 (cited by Labcorp Genetics (formerly Invitae), Labcorp and Women's Health and Genetics/Laboratory Corporation of America, LabCorp); PubMed 27209629 (cited by Labcorp Genetics (formerly Invitae), Labcorp and Women's Health and Genetics/Laboratory Corporation of America, LabCorp); PubMed 29111448 (cited by Women's Health and Genetics/Laboratory Corporation of America, LabCorp).

NM_000018.4(ACADVL):c.1076C>T (p.Ala359Val)

Gene: ACADVL (acyl-CoA dehydrogenase very long chain; plus strand). Cytogenetic location: 17p13.1.
Variant type: single nucleotide variant.
Coding change: c.1076C>T on transcript NM_000018.4 (MANE Select); coding-DNA position 1076, C replaced by T.
Protein change: p.Ala359Val; replaces alanine 359 with valine.
Molecular consequence: missense variant.
Genome position (GRCh38, 1-based): chr17:7,222,864, C>T. VCF-style: chr17-7222864-C-T. GRCh37 (hg19) VCF-style: chr17-7126183-C-T.
Other names: c.1010C>T, p.Ala337Val (NM_001033859.3); c.1145C>T, p.Ala382Val (NM_001270447.2); c.848C>T, p.Ala283Val (NM_001270448.2); short protein forms A359V, A337V, A382V, A283V.
Identifiers: ClinVar variation 541725 (VCV000541725.58), dbSNP rs539029862, ClinGen allele CA8337933.